The following is an entry in ClinVar:

ClinVar aggregate classification (germline): Likely pathogenic (1 of 4 stars; one submission).

Submission:

Dasa
Classification: Likely pathogenic. Last evaluated: 2024-12-18. Review status: criteria provided, single submitter. Criteria: DASA Assertion Criteria. Collection method: clinical testing. Allele origin: germline.
Comment: NM_152424.4(AMER1):c.1048A>T (p.Arg350*) is a nonsense variant in AMER1 predicted to introduce a premature termination codon and is predicted to result in an absent or altered protein product. Loss of function is an established disease mechanism for AMER1-associated disorders. Also, this variant is absent from population databases. Based on the currently available evidence, this variant is classified as likely pathogenic.

NM_152424.4(AMER1):c.1048A>T (p.Arg350Ter)

Gene: AMER1 (APC membrane recruitment protein 1; minus strand). Cytogenetic location: Xq11.2.
Variant type: single nucleotide variant.
Coding change: c.1048A>T on transcript NM_152424.4 (MANE Select); coding-DNA position 1048, A replaced by T.
Protein change: p.Arg350Ter; replaces arginine 350 with a stop codon.
Molecular consequence: nonsense.
Genome position (GRCh38, 1-based): chrX:64,192,239, T>A on the plus strand (A>T on the coding strand, the complement: AMER1 is on the minus strand). VCF-style: chrX-64192239-T-A. GRCh37 (hg19) VCF-style: chrX-63412119-T-A.
Other names: short protein forms R350*.
Identifiers: ClinVar variation 4885773 (VCV004885773.2).
Genomic context (GRCh38, chrX:64,192,239, plus strand): 5'-CCCCACCTCCTTGGTAGGTCACCAGGCAGGAACTTCGCTTGGTCCCATCTCGGTTTGCTC[T>A]CTGGCCCCCAGAGGCCATGCTGTCTGTCATACTGTCCATGTCCTGTTCTGCTATTATGTC-3'